The following is an entry in ClinVar:

ClinVar aggregate classification (germline): Uncertain significance. Review status: criteria provided, multiple submitters, no conflicts (2 of 4 stars). 2 submissions from 2 submitters: Uncertain significance (2). Last evaluated 2024-01-31.

Conditions:
Intellectual disability, autosomal dominant 24 (VSVS). Also called: VULTO-VAN SILFHOUT-DE VRIES SYNDROME. Identifiers: MedGen C4014414, MONDO:0014357, OMIM 615828.

Submissions (2):

Baylor Genetics
Classification: Uncertain significance for Intellectual disability, autosomal dominant 24. Last evaluated: 2024-01-31. Review status: criteria provided, single submitter. Criteria: ACMG Guidelines, 2015. Collection method: clinical testing. Allele origin: unknown.

Labcorp Genetics (formerly Invitae), Labcorp
Classification: Uncertain significance. Last evaluated: 2022-09-27. Review status: criteria provided, single submitter. Criteria: Invitae Variant Classification Sherloc (09022015). Collection method: clinical testing. Allele origin: germline.
Comment: In summary, the available evidence is currently insufficient to determine the role of this variant in disease. Therefore, it has been classified as a Variant of Uncertain Significance. Advanced modeling of protein sequence and biophysical properties (such as structural, functional, and spatial information, amino acid conservation, physicochemical variation, residue mobility, and thermodynamic stability) performed at Invitae indicates that this missense variant is not expected to disrupt DEAF1 protein function. This variant has not been reported in the literature in individuals affected with DEAF1-related conditions. This variant is not present in population databases (gnomAD no frequency). This sequence change replaces aspartic acid, which is acidic and polar, with tyrosine, which is neutral and polar, at codon 399 of the DEAF1 protein (p.Asp399Tyr).

NM_021008.4(DEAF1):c.1195G>T (p.Asp399Tyr)

Gene: DEAF1 (DEAF1 transcription factor; minus strand). Cytogenetic location: 11p15.5.
Variant type: single nucleotide variant.
Coding change: c.1195G>T on transcript NM_021008.4 (MANE Select); coding-DNA position 1195, G replaced by T.
Protein change: p.Asp399Tyr; replaces aspartic acid 399 with tyrosine.
Molecular consequence: missense variant.
Genome position (GRCh38, 1-based): chr11:678,754, C>A on the plus strand (G>T on the coding strand, the complement: DEAF1 is on the minus strand). VCF-style: chr11-678754-C-A. GRCh37 (hg19) VCF-style: chr11-678754-C-A.
Other names: c.469G>T, p.Asp157Tyr (NM_001367390.1); c.928G>T, p.Asp310Tyr (NM_001293634.2); short protein forms D157Y, D310Y, D399Y.
Identifiers: ClinVar variation 1714839 (VCV001714839.6), dbSNP rs780589600, ClinGen allele CA378925428.